The following is an entry in ClinVar:

ClinVar aggregate classification (germline): Uncertain significance (1 of 4 stars; one submission).

Conditions:
Deficiency of 2-methylbutyryl-CoA dehydrogenase (ACADSB). Also called: 2-methylbutyryl-CoA dehydrogenase deficiency; SBCAD deficiency; 2-methylbutyric aciduria; Short branched-chain acyl-CoA dehydrogenase deficiency; 2-methylbutyrylglycinuria. Identifiers: Orphanet 79157, MedGen C1864912, MONDO:0012392, OMIM 610006, HP:0020147.

Allele frequency attached by ClinVar (database versions not stated): gnomAD 0.00001; gnomAD exomes 0.00002.

Submission:

Labcorp Genetics (formerly Invitae), Labcorp
Classification: Uncertain significance for Deficiency of 2-methylbutyryl-CoA dehydrogenase. Last evaluated: 2023-05-22. Review status: criteria provided, single submitter. Criteria: Invitae Variant Classification Sherloc (09022015). Collection method: clinical testing. Allele origin: germline.
Comment: This variant is present in population databases (no rsID available, gnomAD 0.01%). This sequence change replaces alanine, which is neutral and non-polar, with threonine, which is neutral and polar, at codon 52 of the ACADSB protein (p.Ala52Thr). In summary, the available evidence is currently insufficient to determine the role of this variant in disease. Therefore, it has been classified as a Variant of Uncertain Significance. Algorithms developed to predict the effect of missense changes on protein structure and function output the following: SIFT: "Not Available"; PolyPhen-2: "Benign"; Align-GVGD: "Not Available". The threonine amino acid residue is found in multiple mammalian species, which suggests that this missense change does not adversely affect protein function. ClinVar contains an entry for this variant (Variation ID: 947014). This variant has not been reported in the literature in individuals affected with ACADSB-related conditions.

NM_001609.4(ACADSB):c.154G>A (p.Ala52Thr)

Gene: ACADSB (acyl-CoA dehydrogenase short/branched chain; plus strand). Cytogenetic location: 10q26.13.
Variant type: single nucleotide variant.
Coding change: c.154G>A on transcript NM_001609.4 (MANE Select); coding-DNA position 154, G replaced by A.
Protein change: p.Ala52Thr; replaces alanine 52 with threonine.
Molecular consequence: missense variant. On other transcripts: 5 prime UTR variant (1).
Genome position (GRCh38, 1-based): chr10:123,034,467, G>A. VCF-style: chr10-123034467-G-A. GRCh37 (hg19) VCF-style: chr10-124793983-G-A.
Other names: c.-52G>A (NM_001330174.3); short protein forms A52T.
Identifiers: ClinVar variation 947014 (VCV000947014.9), dbSNP rs1164586012, ClinGen allele CA378616017.